The following is an entry in ClinVar:

ClinVar aggregate classification (germline): Uncertain significance (1 of 4 stars; one submission).

Allele frequency attached by ClinVar (database versions not stated): gnomAD 0.00001; gnomAD exomes 0.00001; TOPMed 0.00001.
gnomAD v4.1: 11 of 1,614,114 alleles (0.00068%); highest among the groups gnomAD compares: Non-Finnish European, 0.00085%; no homozygotes.

Submission:

Labcorp Genetics (formerly Invitae), Labcorp
Classification: Uncertain significance. Last evaluated: 2022-06-14. Review status: criteria provided, single submitter. Criteria: Invitae Variant Classification Sherloc (09022015). Collection method: clinical testing. Allele origin: germline.
Comment: This variant has not been reported in the literature in individuals affected with SEMA4A-related conditions. In summary, the available evidence is currently insufficient to determine the role of this variant in disease. Therefore, it has been classified as a Variant of Uncertain Significance. Algorithms developed to predict the effect of missense changes on protein structure and function are either unavailable or do not agree on the potential impact of this missense change (SIFT: "Deleterious"; PolyPhen-2: "Possibly Damaging"; Align-GVGD: "Class C0"). This variant is not present in population databases (gnomAD no frequency). This sequence change replaces leucine, which is neutral and non-polar, with methionine, which is neutral and non-polar, at codon 653 of the SEMA4A protein (p.Leu653Met).

NM_022367.4(SEMA4A):c.1957C>A (p.Leu653Met)

Gene: SEMA4A (semaphorin 4A; plus strand). Cytogenetic location: 1q22.
Variant type: single nucleotide variant.
Coding change: c.1957C>A on transcript NM_022367.4 (MANE Select); coding-DNA position 1957, C replaced by A.
Protein change: p.Leu653Met; replaces leucine 653 with methionine.
Molecular consequence: missense variant.
Genome position (GRCh38, 1-based): chr1:156,176,668, C>A. VCF-style: chr1-156176668-C-A. GRCh37 (hg19) VCF-style: chr1-156146459-C-A.
Other names: c.1957C>A, p.Leu653Met (NM_001193300.2, NM_001193301.2, NM_001370567.1); c.1561C>A, p.Leu521Met (NM_001193302.2); c.1660C>A, p.Leu554Met (NM_001370568.1); c.1450C>A, p.Leu484Met (NM_001370569.1, NM_001370571.1); short protein forms L521M, L653M, L484M, L554M.
Identifiers: ClinVar variation 2006091 (VCV002006091.4), dbSNP rs1655366333, ClinGen allele CA342813096.